The following is an entry in ClinVar:

ClinVar aggregate classification (germline): Uncertain significance (1 of 4 stars; one submission).

Conditions:
Hypertrophic cardiomyopathy 14. Identifiers: MedGen C2750467, MONDO:0013197, OMIM 613251.

Submission:

Labcorp Genetics (formerly Invitae), Labcorp
Classification: Uncertain significance for Hypertrophic cardiomyopathy 14. Last evaluated: 2024-10-12. Review status: criteria provided, single submitter. Criteria: Invitae Variant Classification Sherloc (09022015). Collection method: clinical testing. Allele origin: germline.
Comment: This sequence change falls in intron 12 of the MYH6 gene. It does not directly change the encoded amino acid sequence of the MYH6 protein. It affects a nucleotide within the consensus splice site. This variant is not present in population databases (gnomAD no frequency). This variant has not been reported in the literature in individuals affected with MYH6-related conditions. Variants that disrupt the consensus splice site are a relatively common cause of aberrant splicing (PMID: 17576681, 9536098). Algorithms developed to predict the effect of sequence changes on RNA splicing suggest that this variant is not likely to affect RNA splicing. In summary, the available evidence is currently insufficient to determine the role of this variant in disease. Therefore, it has been classified as a Variant of Uncertain Significance.

Literature cited by the submitters: PubMed 17576681; PubMed 9536098.

NM_002471.4(MYH6):c.1142-3C>T

Gene: MYH6 (myosin heavy chain 6; minus strand). Cytogenetic location: 14q11.2.
Variant type: single nucleotide variant.
Coding change: c.1142-3C>T on transcript NM_002471.4 (MANE Select); 3 bases into the intron before coding-DNA position 1142, C replaced by T.
Molecular consequence: intron variant.
Genome position (GRCh38, 1-based): chr14:23,400,980, G>A on the plus strand (C>T on the coding strand, the complement: MYH6 is on the minus strand). VCF-style: chr14-23400980-G-A. GRCh37 (hg19) VCF-style: chr14-23870189-G-A.
Identifiers: ClinVar variation 2900474 (VCV002900474.3), dbSNP rs1170104545, ClinGen allele CA2575486150.